The following is an entry in ClinVar:

ClinVar aggregate classification (germline): Conflicting classifications of pathogenicity. Review status: criteria provided, conflicting classifications (1 of 4 stars). 5 submissions from 5 submitters: Uncertain significance (2); Benign (1); Likely benign (2). Last evaluated 2025-12-11.

Conditions:
Autoimmune lymphoproliferative syndrome type 1. Also called: AUTOIMMUNE LYMPHOPROLIFERATIVE SYNDROME, TYPE I, AUTOSOMAL DOMINANT. Identifiers: Orphanet 3261, MedGen C2717884, MONDO:0011158, OMIM 601859.

Allele frequency attached by ClinVar (database versions not stated): gnomAD exomes 0.00014 and 0.00077; gnomAD 0.00033 and 0.00046; TOPMed 0.00040; ExAC 0.00070; 1000 Genomes Project 30x 0.00234; 1000 Genomes Project 0.00260.
gnomAD v4.1: 311 of 1,614,078 alleles (0.019%); highest among the groups gnomAD compares: East Asian, 0.51%; 3 homozygotes.

Submissions (5):

Labcorp Genetics (formerly Invitae), Labcorp
Classification: Likely benign for Autoimmune lymphoproliferative syndrome. Last evaluated: 2025-12-11. Review status: criteria provided, single submitter. Criteria: Invitae Variant Classification Sherloc (09022015). Collection method: clinical testing. Allele origin: germline.

GeneDx
Classification: Uncertain significance. Last evaluated: 2025-03-25. Review status: criteria provided, single submitter. Criteria: GeneDx Variant Classification Process June 2021. Collection method: clinical testing. Allele origin: germline. Affected: yes.
Comment: In silico analysis supports that this missense variant has a deleterious effect on protein structure/function; Has not been previously published in a patient with an FASLG-related disorder to our knowledge; This variant is associated with the following publications: (PMID: 35186329)

Blueprint Genetics
Classification: Likely benign. Last evaluated: 2024-09-12. Review status: criteria provided, single submitter. Criteria: ACMG Guidelines, 2015. Collection method: clinical testing. Allele origin: germline.

Center for Genomics, Ann and Robert H. Lurie Children's Hospital of Chicago
Classification: Uncertain significance for Autoimmune lymphoproliferative syndrome type 1. Last evaluated: 2019-11-19. Review status: criteria provided, single submitter. Criteria: ACMG Guidelines, 2015. Collection method: clinical testing. Allele origin: germline.
Comment: FASLG NM_000639.2 exon 1 p.Leu94Val (c.280T>G): This variant has not been reported in the literature but is present in 0.9% (196/19948) of East Asian alleles in the Genome Aggregation Database. This variant is present in ClinVar (Variation ID:293735). Evolutionary conservation and computational predictive tools suggest that this variant may impact the protein. In summary, data on this variant is insufficient for disease classification. Therefore, the clinical significance of this variant is uncertain.

Illumina Laboratory Services, Illumina
Classification: Benign for Autoimmune lymphoproliferative syndrome type 1. Last evaluated: 2018-01-12. Review status: criteria provided, single submitter. Criteria: ICSL Variant Classification Criteria 13 December 2019. Collection method: clinical testing. Allele origin: germline.
Comment: This variant was observed in the ICSL laboratory as part of a predisposition screen in an ostensibly healthy population. It had not been previously curated by ICSL or reported in the Human Gene Mutation Database (HGMD: prior to June 1st, 2018), and was therefore a candidate for classification through an automated scoring system. Utilizing variant allele frequency, disease prevalence and penetrance estimates, and inheritance mode, an automated score was calculated to assess if this variant is too frequent to cause the disease. Based on the score and internal cut-off values, a variant classified as benign is not then subjected to further curation. The score for this variant resulted in a classification of benign for this disease.

NM_000639.3(FASLG):c.280T>G (p.Leu94Val)

Gene: FASLG (Fas ligand; plus strand). Cytogenetic location: 1q24.3.
Variant type: single nucleotide variant.
Coding change: c.280T>G on transcript NM_000639.3 (MANE Select); coding-DNA position 280, T replaced by G.
Protein change: p.Leu94Val; replaces leucine 94 with valine.
Molecular consequence: missense variant.
Genome position (GRCh38, 1-based): chr1:172,659,481, T>G. VCF-style: chr1-172659481-T-G. GRCh37 (hg19) VCF-style: chr1-172628621-T-G.
Other names: c.280T>G, p.Leu94Val (NM_001302746.2); short protein forms L94V.
Identifiers: ClinVar variation 293735 (VCV000293735.19), dbSNP rs56302117, ClinGen allele CA1247495.